The following is an entry in ClinVar:

NM_003331.5(TYK2):c.2908+44T>C

Gene: TYK2 (tyrosine kinase 2; minus strand). Cytogenetic location: 19p13.2.
Variant type: single nucleotide variant.
Coding change: c.2908+44T>C on transcript NM_003331.5 (MANE Select); 44 bases into the intron after coding-DNA position 2908, T replaced by C.
Molecular consequence: intron variant.
Genome position (GRCh38, 1-based): chr19:10,353,998, A>G on the plus strand (T>C on the coding strand, the complement: TYK2 is on the minus strand). VCF-style: chr19-10353998-A-G. GRCh37 (hg19) VCF-style: chr19-10464674-A-G.
Identifiers: ClinVar variation 675230 (VCV000675230.2), dbSNP rs12720320, ClinGen allele CA9192881.
Genomic context (GRCh38, chr19:10,353,998, plus strand): 5'-GAGAGTCTCTAATTGGCTAGGCCAGACTGGCCCCGCCCACAAGGCCACACCCACGCTCTA[A>G]CCACGCCCCCTCAAGTCTCTAGGACTCGCCGGGTCCCGCCCACCTTGGTCCTCGCAGCAG-3'

ClinVar aggregate classification (germline): Benign. Review status: criteria provided, multiple submitters, no conflicts (2 of 4 stars). 2 submissions from 2 submitters: Benign (2). Last evaluated 2018-06-16.

Allele frequency attached by ClinVar (database versions not stated): gnomAD 0.12252 and 0.12106; ESP Exome Variant Server 0.12560; gnomAD exomes 0.09205; ExAC 0.09544; 1000 Genomes Project 30x 0.12008; TOPMed 0.12065; 1000 Genomes Project 0.12101.
gnomAD v4.1: 154,129 of 1,602,136 alleles (9.6%); highest among the groups gnomAD compares: African/African-American, 21%; 8,406 homozygotes.

Submissions (2):

GeneDx
Classification: Benign. Last evaluated: 2018-06-16. Review status: criteria provided, single submitter. Criteria: GeneDx Variant Classification (06012015). Collection method: clinical testing. Allele origin: germline. Affected: yes.
Comment: This variant is considered likely benign or benign based on one or more of the following criteria: it is a conservative change, it occurs at a poorly conserved position in the protein, it is predicted to be benign by multiple in silico algorithms, and/or has population frequency not consistent with disease.

Breakthrough Genomics
Classification: Benign. Review status: criteria provided, single submitter. Criteria: ACMG Guidelines, 2015. Collection method: not provided. Allele origin: germline. Inheritance: Autosomal recessive inheritance. Affected: yes.